The following is an entry in ClinVar:

NM_005458.8(GABBR2):c.1001C>T (p.Thr334Ile)

Gene: GABBR2 (gamma-aminobutyric acid type B receptor subunit 2; minus strand). Cytogenetic location: 9q22.33.
Variant type: single nucleotide variant.
Coding change: c.1001C>T on transcript NM_005458.8 (MANE Select); coding-DNA position 1001, C replaced by T.
Protein change: p.Thr334Ile; replaces threonine 334 with isoleucine.
Molecular consequence: missense variant.
Genome position (GRCh38, 1-based): chr9:98,454,216, G>A on the plus strand (C>T on the coding strand, the complement: GABBR2 is on the minus strand). VCF-style: chr9-98454216-G-A. GRCh37 (hg19) VCF-style: chr9-101216498-G-A.
Other names: short protein forms T334I.
Identifiers: ClinVar variation 1718680 (VCV001718680.5), dbSNP rs1485329117, ClinGen allele CA374350812.

ClinVar aggregate classification (germline): Likely pathogenic (1 of 4 stars; one submission).

Conditions:
Epileptic encephalopathy. Identifiers: MedGen C0543888, HP:0200134.

Allele frequency attached by ClinVar (database versions not stated): gnomAD exomes below 0.00001; TOPMed 0.00001.
gnomAD v4.1: 1 of 1,608,702 alleles (0.000062%); highest among the groups gnomAD compares: Non-Finnish European, 0.000085%; no homozygotes.

Submission:

Labcorp Genetics (formerly Invitae), Labcorp
Classification: Likely pathogenic for Epileptic encephalopathy. Last evaluated: 2024-10-24. Review status: criteria provided, single submitter. Criteria: Invitae Variant Classification Sherloc (09022015). Collection method: clinical testing. Allele origin: germline.
Comment: This sequence change replaces threonine, which is neutral and polar, with isoleucine, which is neutral and non-polar, at codon 334 of the GABBR2 protein (p.Thr334Ile). This variant is not present in population databases (gnomAD no frequency). This missense change has been observed in individual(s) with clinical features of GABBR2-related conditions (internal data). In at least one individual the variant was observed to be de novo. ClinVar contains an entry for this variant (Variation ID: 1718680). An algorithm developed to predict the effect of missense changes on protein structure and function (PolyPhen-2) suggests that this variant is likely to be disruptive. In summary, the currently available evidence indicates that the variant is pathogenic, but additional data are needed to prove that conclusively. Therefore, this variant has been classified as Likely Pathogenic.